The following is an entry in ClinVar:

NM_025257.3(SLC44A4):c.342+3C>T

Gene: SLC44A4 (solute carrier family 44 member 4; minus strand). Cytogenetic location: 6p21.33.
Variant type: single nucleotide variant.
Coding change: c.342+3C>T on transcript NM_025257.3 (MANE Select); 3 bases into the intron after coding-DNA position 342, C replaced by T.
Molecular consequence: intron variant.
Genome position (GRCh38, 1-based): chr6:31,874,926, G>A on the plus strand (C>T on the coding strand, the complement: SLC44A4 is on the minus strand). VCF-style: chr6-31874926-G-A. GRCh37 (hg19) VCF-style: chr6-31842703-G-A.
Other names: c.342+3C>T (NM_001178044.2); c.114+3C>T (NM_001178045.2).
Identifiers: ClinVar variation 3684907 (VCV003684907.2).

ClinVar aggregate classification (germline): Uncertain significance (1 of 4 stars; one submission).

gnomAD v4.1: 3 of 1,613,560 alleles (0.00019%); highest among the groups gnomAD compares: Non-Finnish European, 0.00017%; no homozygotes.

Submission:

Labcorp Genetics (formerly Invitae), Labcorp
Classification: Uncertain significance. Last evaluated: 2024-10-10. Review status: criteria provided, single submitter. Criteria: Invitae Variant Classification Sherloc (09022015). Collection method: clinical testing. Allele origin: germline.
Comment: This sequence change falls in intron 5 of the SLC44A4 gene. It does not directly change the encoded amino acid sequence of the SLC44A4 protein. It affects a nucleotide within the consensus splice site. This variant is not present in population databases (gnomAD no frequency). This variant has not been reported in the literature in individuals affected with SLC44A4-related conditions. Variants that disrupt the consensus splice site are a relatively common cause of aberrant splicing (PMID: 17576681, 9536098). Algorithms developed to predict the effect of sequence changes on RNA splicing suggest that this variant is not likely to affect RNA splicing. In summary, the available evidence is currently insufficient to determine the role of this variant in disease. Therefore, it has been classified as a Variant of Uncertain Significance.

Literature cited by the submitters: PubMed 17576681; PubMed 9536098.